The following is an entry in ClinVar:

NM_001368397.1(FRMPD4):c.4562G>A (p.Arg1521Lys)

Gene: FRMPD4 (FERM and PDZ domain containing 4; plus strand). Cytogenetic location: Xp22.2.
Variant type: single nucleotide variant.
Coding change: c.4562G>A on transcript NM_001368397.1 (MANE Select); coding-DNA position 4562, G replaced by A.
Protein change: p.Arg1521Lys; replaces arginine 1521 with lysine.
Molecular consequence: missense variant. On other transcripts: 3 prime UTR variant (6).
Genome position (GRCh38, 1-based): chrX:12,721,131, G>A. VCF-style: chrX-12721131-G-A. GRCh37 (hg19) VCF-style: chrX-12739250-G-A.
Other names: c.4673G>A, p.Arg1558Lys (NM_001368395.3); c.4568G>A, p.Arg1523Lys (NM_001368396.3); c.*598G>A (NM_001368398.3, NM_001368399.3, NM_001368400.3 and 3 more transcripts); short protein forms R1521K, R1523K, R1558K.
Identifiers: ClinVar variation 1334659 (VCV001334659.4), dbSNP rs947906329, ClinGen allele CA326086829.

ClinVar aggregate classification (germline): Uncertain significance (1 of 4 stars; one submission).

Allele frequency attached by ClinVar (database versions not stated): gnomAD exomes below 0.00001.
gnomAD v4.1: 3 of 757,082 alleles (0.0004%); highest among the groups gnomAD compares: South Asian, 0.02%; no homozygotes.

Submission:

Greenwood Genetic Center Diagnostic Laboratories, Greenwood Genetic Center
Classification: Uncertain significance. Last evaluated: 2021-11-17. Review status: criteria provided, single submitter. Criteria: ACMG Guidelines, 2015. Collection method: clinical testing. Allele origin: germline. Affected: yes.
Comment: PM2